The following is an entry in ClinVar:

NM_004947.5(DOCK3):c.1037+1G>A

Gene: DOCK3 (dedicator of cytokinesis 3; plus strand). Cytogenetic location: 3p21.2.
Variant type: single nucleotide variant.
Coding change: c.1037+1G>A on transcript NM_004947.5 (MANE Select); the canonical splice donor site of the intron after coding-DNA position 1037, G replaced by A.
Molecular consequence: splice donor variant.
Genome position (GRCh38, 1-based): chr3:51,160,703, G>A. VCF-style: chr3-51160703-G-A. GRCh37 (hg19) VCF-style: chr3-51198134-G-A.
Identifiers: ClinVar variation 2637227 (VCV002637227.1), dbSNP rs1378797018, ClinGen allele CA353004154.

ClinVar aggregate classification (germline): Likely pathogenic (1 of 4 stars; one submission).

Conditions:
DOCK3-related disorder. Also called: DOCK3-related condition.

gnomAD v4.1: 1 of 1,610,746 alleles (0.000062%); highest among the groups gnomAD compares: Non-Finnish European, 0.000085%; no homozygotes.

Submission:

PreventionGenetics, part of Exact Sciences
Classification: Likely pathogenic for DOCK3-related condition. Last evaluated: 2022-11-04. Review status: criteria provided, single submitter. Criteria: ACMG Guidelines, 2015. Collection method: clinical testing. Allele origin: germline.
Comment: The DOCK3 c.1037+1G>A variant is predicted to disrupt the GT donor site and interfere with normal splicing. To our knowledge, this variant has not been reported in the literature or in a large population database, indicating this variant is rare. Variants that disrupt the consensus splice donor site in DOCK3 are expected to be pathogenic, and therefore we interpret c.1037+1G>A as likely pathogenic.